The following is an entry in ClinVar:

ClinVar aggregate classification (germline): Uncertain significance (1 of 4 stars; one submission).

Submission:

Dasa
Classification: Uncertain significance. Last evaluated: 2025-02-25. Review status: criteria provided, single submitter. Criteria: DASA Assertion Criteria. Collection method: clinical testing. Allele origin: germline.
Comment: NM_001330078.2(NRXN1):c.2050C>A (p.Pro684Thr) is a missense variant that results in the substitution of proline with threonine. This variant is absent from population databases. Computational prediction algorithms are consistent with a deleterious effect. The currently available literature and clinical evidence are not sufficient to establish a definitive association between this variant and the reported condition. Therefore, this variant is classified as a variant of uncertain significance.

NM_001330078.2(NRXN1):c.2050C>A (p.Pro684Thr)

Gene: NRXN1 (neurexin 1; minus strand). Cytogenetic location: 2p16.3.
Variant type: single nucleotide variant.
Coding change: c.2050C>A on transcript NM_001330078.2 (MANE Select); coding-DNA position 2050, C replaced by A.
Protein change: p.Pro684Thr; replaces proline 684 with threonine.
Molecular consequence: missense variant.
Genome position (GRCh38, 1-based): chr2:50,538,346, G>T on the plus strand (C>A on the coding strand, the complement: NRXN1 is on the minus strand). VCF-style: chr2-50538346-G-T. GRCh37 (hg19) VCF-style: chr2-50765484-G-T.
Other names: c.2170C>A, p.Pro724Thr (NM_001135659.3); c.2026C>A, p.Pro676Thr (NM_001330077.2, NM_001330082.2, NM_001330095.2); c.2011C>A, p.Pro671Thr (NM_001330083.2, NM_001330084.2); c.2050C>A, p.Pro684Thr (NM_001330085.2, NM_001330086.2, NM_004801.6); c.1966C>A, p.Pro656Thr (NM_001330087.2, NM_001330096.2); c.1996C>A, p.Pro666Thr (NM_001330088.2); c.2047C>A, p.Pro683Thr (NM_001330093.2); c.2038C>A, p.Pro680Thr (NM_001330094.2); short protein forms P656T, P666T, P671T, P676T, P680T, P683T, P684T, P724T.
Identifiers: ClinVar variation 4882026 (VCV004882026.2).